The following is an entry in ClinVar:

ClinVar aggregate classification (germline): Uncertain significance (1 of 4 stars; one submission).

Conditions:
Hereditary cancer-predisposing syndrome. Also called: Hereditary Cancer Syndrome; Hereditary neoplastic syndrome; Neoplastic Syndromes, Hereditary; Tumor predisposition. Identifiers: Orphanet 140162, MedGen C0027672, MeSH D009386, MONDO:0015356.

Submission:

Ambry Genetics
Classification: Uncertain significance for Hereditary cancer-predisposing syndrome. Last evaluated: 2025-04-25. Review status: criteria provided, single submitter. Criteria: Ambry Variant Classification Scheme 2023. Collection method: clinical testing. Allele origin: germline.
Comment: The p.G2520E variant (also known as c.7559G>A), located in coding exon 15 of the APC gene, results from a G to A substitution at nucleotide position 7559. The glycine at codon 2520 is replaced by glutamic acid, an amino acid with similar properties. This amino acid position is conserved. In addition, in silico predictors for this gene do not accurately predict pathogenicity. Based on the available evidence, the clinical significance of this variant remains unclear.

NM_000038.6(APC):c.7559G>A (p.Gly2520Glu)

Gene: APC (APC regulator of Wnt signaling pathway; plus strand). Cytogenetic location: 5q22.2.
Variant type: single nucleotide variant.
Coding change: c.7559G>A on transcript NM_000038.6 (MANE Select); coding-DNA position 7559, G replaced by A.
Protein change: p.Gly2520Glu; replaces glycine 2520 with glutamic acid.
Molecular consequence: missense variant. On other transcripts: non-coding transcript variant (2).
Genome position (GRCh38, 1-based): chr5:112,843,153, G>A. VCF-style: chr5-112843153-G-A. GRCh37 (hg19) VCF-style: chr5-112178850-G-A.
Other names: c.7559G>A, p.Gly2520Glu (NM_001127510.3, NM_001354895.2, NM_001407450.1); c.7505G>A, p.Gly2502Glu (NM_001127511.3); c.7613G>A, p.Gly2538Glu (NM_001354896.2, NM_001407447.1, NM_001407448.1 and 1 more transcripts); c.7589G>A, p.Gly2530Glu (NM_001354897.2); c.7484G>A, p.Gly2495Glu (NM_001354898.2); c.7475G>A, p.Gly2492Glu (NM_001354899.2); c.7436G>A, p.Gly2479Glu (NM_001354900.2); c.7382G>A, p.Gly2461Glu (NM_001354901.2, NM_001407453.1); and 11 more; short protein forms G2136E, G2419E, G2495E, G2530E, G2237E, G2391E, G2429E, G2479E.
Identifiers: ClinVar variation 3929003 (VCV003929003.1).